The following is an entry in ClinVar:

ClinVar aggregate classification (germline): Uncertain significance (1 of 4 stars; one submission).

Allele frequency attached by ClinVar (database versions not stated): TOPMed below 0.00001.

Submission:

Labcorp Genetics (formerly Invitae), Labcorp
Classification: Uncertain significance. Last evaluated: 2024-12-09. Review status: criteria provided, single submitter. Criteria: Invitae Variant Classification Sherloc (09022015). Collection method: clinical testing. Allele origin: germline.
Comment: This sequence change replaces lysine, which is basic and polar, with glutamic acid, which is acidic and polar, at codon 55 of the CYP27B1 protein (p.Lys55Glu). This variant is not present in population databases (gnomAD no frequency). This variant has not been reported in the literature in individuals affected with CYP27B1-related conditions. ClinVar contains an entry for this variant (Variation ID: 1715471). Invitae Evidence Modeling of protein sequence and biophysical properties (such as structural, functional, and spatial information, amino acid conservation, physicochemical variation, residue mobility, and thermodynamic stability) indicates that this missense variant is not expected to disrupt CYP27B1 protein function with a negative predictive value of 80%. In summary, the available evidence is currently insufficient to determine the role of this variant in disease. Therefore, it has been classified as a Variant of Uncertain Significance.

NM_000785.4(CYP27B1):c.163A>G (p.Lys55Glu)

Gene: CYP27B1 (cytochrome P450 family 27 subfamily B member 1; minus strand). Cytogenetic location: 12q14.1.
Variant type: single nucleotide variant.
Coding change: c.163A>G on transcript NM_000785.4 (MANE Select); coding-DNA position 163, A replaced by G.
Protein change: p.Lys55Glu; replaces lysine 55 with glutamic acid.
Molecular consequence: missense variant.
Genome position (GRCh38, 1-based): chr12:57,766,879, T>C on the plus strand (A>G on the coding strand, the complement: CYP27B1 is on the minus strand). VCF-style: chr12-57766879-T-C. GRCh37 (hg19) VCF-style: chr12-58160662-T-C.
Other names: short protein forms K55E.
Identifiers: ClinVar variation 1715471 (VCV001715471.5), dbSNP rs1955366694, ClinGen allele CA385509797.